The following is an entry in ClinVar:

NM_001367823.1(ARHGEF18):c.3481-1G>C

Gene: ARHGEF18 (Rho/Rac guanine nucleotide exchange factor 18; plus strand). Cytogenetic location: 19p13.2.
Variant type: single nucleotide variant.
Coding change: c.3481-1G>C on transcript NM_001367823.1 (MANE Select); the canonical splice acceptor site of the intron before coding-DNA position 3481, G replaced by C.
Molecular consequence: splice acceptor variant.
Genome position (GRCh38, 1-based): chr19:7,468,824, G>C. VCF-style: chr19-7468824-G-C. GRCh37 (hg19) VCF-style: chr19-7533710-G-C.
Other names: c.2443-1G>C (NM_001367824.1, NM_015318.4); c.2755-1G>C (NM_001130955.2).
Identifiers: ClinVar variation 4765100 (VCV004765100.1).

ClinVar aggregate classification (germline): Likely pathogenic (1 of 4 stars; one submission).

Submission:

Labcorp Genetics (formerly Invitae), Labcorp
Classification: Likely pathogenic. Last evaluated: 2025-05-14. Review status: criteria provided, single submitter. Criteria: Invitae Variant Classification Sherloc (09022015). Collection method: clinical testing. Allele origin: germline.
Comment: This sequence change affects an acceptor splice site in intron 16 of the ARHGEF18 gene. It is expected to disrupt RNA splicing. Variants that disrupt the donor or acceptor splice site typically lead to a loss of protein function (PMID: 16199547), and loss-of-function variants in ARHGEF18 are known to be pathogenic (PMID: 28132693). This variant is not present in population databases (gnomAD no frequency). This variant has not been reported in the literature in individuals affected with ARHGEF18-related conditions. Algorithms developed to predict the effect of sequence changes on RNA splicing suggest that this variant may disrupt the consensus splice site. In summary, the currently available evidence indicates that the variant is pathogenic, but additional data are needed to prove that conclusively. Therefore, this variant has been classified as Likely Pathogenic.

Literature cited by the submitters: PubMed 16199547; PubMed 28132693.